The following is an entry in ClinVar:

NM_004304.5(ALK):c.1051G>A (p.Val351Met)

Gene: ALK (ALK receptor tyrosine kinase; minus strand). Cytogenetic location: 2p23.2.
Variant type: single nucleotide variant.
Coding change: c.1051G>A on transcript NM_004304.5 (MANE Select); coding-DNA position 1051, G replaced by A.
Protein change: p.Val351Met; replaces valine 351 with methionine.
Molecular consequence: missense variant.
Genome position (GRCh38, 1-based): chr2:29,532,018, C>T on the plus strand (G>A on the coding strand, the complement: ALK is on the minus strand). VCF-style: chr2-29532018-C-T. GRCh37 (hg19) VCF-style: chr2-29754884-C-T.
Other names: short protein forms V351M.
Identifiers: ClinVar variation 3853934 (VCV003853934.1).

ClinVar aggregate classification (germline): Uncertain significance (1 of 4 stars; one submission).

Conditions:
Hereditary cancer-predisposing syndrome. Also called: Hereditary neoplastic syndrome; Neoplastic Syndromes, Hereditary; Tumor predisposition; Hereditary Cancer Syndrome. Identifiers: Orphanet 140162, MedGen C0027672, MeSH D009386, MONDO:0015356.

gnomAD v4.1: 1 of 1,614,130 alleles (0.000062%); highest among the groups gnomAD compares: Non-Finnish European, 0.000085%; no homozygotes.

Submission:

Ambry Genetics
Classification: Uncertain significance for Hereditary cancer-predisposing syndrome. Last evaluated: 2025-01-31. Review status: criteria provided, single submitter. Criteria: Ambry Variant Classification Scheme 2023. Collection method: clinical testing. Allele origin: germline.
Comment: The p.V351M variant (also known as c.1051G>A), located in coding exon 4 of the ALK gene, results from a G to A substitution at nucleotide position 1051. The valine at codon 351 is replaced by methionine, an amino acid with highly similar properties. This amino acid position is conserved. In addition, this alteration is predicted to be tolerated by in silico analysis. Based on the available evidence, the clinical significance of this variant remains unclear.